The following is an entry in ClinVar:

NM_016239.4(MYO15A):c.700G>C (p.Glu234Gln)

Gene: MYO15A (myosin XVA; plus strand). Cytogenetic location: 17p11.2.
Variant type: single nucleotide variant.
Coding change: c.700G>C on transcript NM_016239.4 (MANE Select); coding-DNA position 700, G replaced by C.
Protein change: p.Glu234Gln; replaces glutamic acid 234 with glutamine.
Molecular consequence: missense variant.
Genome position (GRCh38, 1-based): chr17:18,119,500, G>C. VCF-style: chr17-18119500-G-C. GRCh37 (hg19) VCF-style: chr17-18022814-G-C.
Other names: short protein forms E234Q.
Identifiers: ClinVar variation 666874 (VCV000666874.7), dbSNP rs767935511, ClinGen allele CA8422914.

ClinVar aggregate classification (germline): Uncertain significance. Review status: criteria provided, multiple submitters, no conflicts (2 of 4 stars). 3 submissions from 3 submitters: Uncertain significance (3). Last evaluated 2021-01-21.

Allele frequency attached by ClinVar (database versions not stated): gnomAD exomes 0.00001; TOPMed 0.00001; ExAC 0.00002.
gnomAD v4.1: 16 of 1,612,276 alleles (0.00099%); highest among the groups gnomAD compares: Non-Finnish European, 0.0014%; no homozygotes.

Submissions (3):

GeneDx
Classification: Uncertain significance. Last evaluated: 2021-01-21. Review status: criteria provided, single submitter. Criteria: GeneDx Variant Classification Process June 2021. Collection method: clinical testing. Allele origin: germline. Affected: yes.
Comment: Not observed at a significant frequency in large population cohorts (Lek et al., 2016); In silico analysis supports that this missense variant does not alter protein structure/function; Has not been previously published as pathogenic or benign to our knowledge

Blueprint Genetics
Classification: Uncertain significance. Last evaluated: 2020-08-26. Review status: criteria provided, single submitter. Criteria: ACMG Guidelines, 2015. Collection method: clinical testing. Allele origin: germline.

Laboratory for Molecular Medicine, Mass General Brigham Personalized Medicine
Classification: Uncertain significance. Last evaluated: 2018-11-27. Review status: criteria provided, single submitter. Criteria: LMM Criteria. Collection method: clinical testing. Allele origin: germline. Observed: 1 variant allele.
Comment: The p.Glu234Gln variant in MYO15A has not been previously reported in individual s with hearing loss, but has been identified in 0.003% (3/111594) of European ch romosomes by gnomAD. Computational prediction tools and conservation analysis suggest that this variant may impact the protei n, though this information is not predictive enough to determine pathogenicity. In summary, the clinical significance of the p.Glu234Gln variant is uncertain. A CMG/AMP Criteria applied: PM2, PP3.